The following is an entry in ClinVar:

NM_145207.3(AFG2A):c.333C>T (p.Val111=)

Gene: AFG2A (AAA ATPase AFG2A; plus strand). Cytogenetic location: 4q28.1.
Variant type: single nucleotide variant.
Coding change: c.333C>T on transcript NM_145207.3 (MANE Select); coding-DNA position 333, C replaced by T.
Protein change: p.Val111=; no amino-acid change (valine 111 retained).
Molecular consequence: synonymous variant.
Genome position (GRCh38, 1-based): chr4:122,929,084, C>T. VCF-style: chr4-122929084-C-T. GRCh37 (hg19) VCF-style: chr4-123850239-C-T.
Other names: c.330C>T, p.Val110= (NM_001317799.2, NM_001345856.2).
Identifiers: ClinVar variation 1158249 (VCV001158249.19), dbSNP rs765332216, ClinGen allele CA3070191.

ClinVar aggregate classification (germline): Likely benign. Review status: criteria provided, multiple submitters, no conflicts (2 of 4 stars). 2 submissions from 2 submitters: Likely benign (2). Last evaluated 2025-01-01.

Conditions:
Microcephaly-intellectual disability-sensorineural hearing loss-epilepsy-abnormal muscle tone syndrome (NEDHSB). Also called: NEURODEVELOPMENTAL DISORDER WITH HEARING LOSS, SEIZURES, AND BRAIN ABNORMALITIES. Identifiers: Orphanet 457351, MedGen C4225276, MONDO:0014698, OMIM 616577.

Allele frequency attached by ClinVar (database versions not stated): ExAC 0.00001; gnomAD 0.00001; gnomAD exomes 0.00001 and 0.00003; TOPMed 0.00001.
gnomAD v4.1: 40 of 1,613,652 alleles (0.0025%); highest among the groups gnomAD compares: African/African-American, 0.004%; no homozygotes.

Submissions (2):

CeGaT Center for Human Genetics Tuebingen
Classification: Likely benign. Last evaluated: 2025-01-01. Review status: criteria provided, single submitter. Criteria: CeGaT Center For Human Genetics Tuebingen Variant Classification Criteria Version 2. Collection method: clinical testing. Allele origin: germline. Affected: yes. Observed: 1 variant allele.
Comment: AFG2A: BP4, BP7

Labcorp Genetics (formerly Invitae), Labcorp
Classification: Likely benign for Microcephaly-intellectual disability-sensorineural hearing loss-epilepsy-abnormal muscle tone syndrome. Last evaluated: 2024-02-23. Review status: criteria provided, single submitter. Criteria: Invitae Variant Classification Sherloc (09022015). Collection method: clinical testing. Allele origin: germline.